The following is an entry in ClinVar:

NM_000274.4(OAT):c.722C>T (p.Pro241Leu)

Genes: OAT (ornithine aminotransferase; minus strand), LOC121815974 (Sharpr-MPRA regulatory region 15365; plus strand). Cytogenetic location: 10q26.13.
Variant type: single nucleotide variant.
Coding change: c.722C>T on transcript NM_000274.4 (MANE Select); coding-DNA position 722, C replaced by T.
Protein change: p.Pro241Leu; replaces proline 241 with leucine.
Molecular consequence: missense variant.
Genome position (GRCh38, 1-based): chr10:124,403,847, G>A on the plus strand (C>T on the coding strand, the complement: OAT is on the minus strand). VCF-style: chr10-124403847-G-A. GRCh37 (hg19) VCF-style: chr10-126092416-G-A.
Other names: c.308C>T, p.Pro103Leu (NM_001171814.2); c.722C>T, p.Pro241Leu (NM_001322965.2, NM_001322966.2, NM_001322967.2 and 3 more transcripts); c.401C>T, p.Pro134Leu (NM_001322971.2); c.122C>T, p.Pro41Leu (NM_001322974.2); short protein forms P241L, P103L, P134L, P41L.
Identifiers: ClinVar variation 168 (VCV000000168.18), dbSNP rs121965051, ClinGen allele CA113975.

ClinVar aggregate classification (germline): Pathogenic/Likely pathogenic. Review status: criteria provided, multiple submitters, no conflicts (2 of 4 stars). 9 submissions from 9 submitters: Pathogenic (5); Likely pathogenic (3). 1 of the submissions does not count toward it. Last evaluated 2025-11-24.

Conditions:
OAT-related disorder. Also called: OAT-related condition.
Hyperornithinemia. Also called: Ornithinemia. Identifiers: MedGen C0599035, HP:0012026.
Ornithine aminotransferase deficiency (GACR). Also called: OKT DEFICIENCY; Ornithine ketoacid aminotransferase deficiency; Gyrate atrophy; Gyrate atrophy of choroid and retina; Girate atrophy of the retina; HYPERORNITHINEMIA WITH GYRATE ATROPHY OF CHOROID AND RETINA. Identifiers: Orphanet 414, MedGen C0018425, MONDO:0009796, OMIM 258870.

Allele frequency attached by ClinVar (database versions not stated): gnomAD 0.00001; ExAC 0.00002; gnomAD exomes 0.00002 and 0.00004; TOPMed 0.00003.
gnomAD v4.1: 31 of 1,613,980 alleles (0.0019%); highest among the groups gnomAD compares: South Asian, 0.015%; no homozygotes.

Submissions (9):

Myriad Genetics, Inc.
Classification: Likely pathogenic for Ornithine aminotransferase deficiency. Last evaluated: 2025-11-24. Review status: criteria provided, single submitter. Criteria: Myriad Autosomal Dominant, Autosomal Recessive and X-Linked Classification Criteria (2023). Collection method: clinical testing. Allele origin: unknown.
Comment: NM_000274.3(OAT):c.722C>T(P241L) is a missense variant classified as likely pathogenic in the context of ornithine aminotransferase deficiency. P241L has been observed in cases with relevant disease (PMID: 28341476, 40175531, 37667371, 1737786). Relevant functional assessments of this variant are not available in the literature. P241L has been observed in referenced population frequency databases. In summary, NM_000274.3(OAT):c.722C>T(P241L) is a missense variant that has been observed more frequently in cases with the relevant disease than in healthy populations. Please note: this variant was assessed in the context of healthy population screening.

Natera, Inc.
Classification: Pathogenic for Gyrate atrophy. Last evaluated: 2025-10-06. Review status: criteria provided, single submitter. Criteria: Natera Variant Classification Schema (03/2026). Collection method: clinical testing. Allele origin: germline.
Comment: The c.722C>T variant in OAT is a missense variant predicted to cause substitution of proline to leucine at amino acid 241. This variant is rare in the general population with a frequency below the threshold expected for the associated phenotype(s). This variant has been observed in one or more individuals affected with the associated recessive disease, as either homozygous or compound heterozygous with a second variant (PMID: 28341476). Additionally, this variant has been observed to segregate in affected family members (PMID: 1755734, 37667371). This variant has been identified in one or more affected individuals with a phenotype highly consistent with the associated gene (PMID: 1755734). Computational prediction algorithms indicate this variant is likely to affect gene or protein function. Given the available evidence, this variant is classified as Pathogenic.

Labcorp Genetics (formerly Invitae), Labcorp
Classification: Pathogenic for Ornithine aminotransferase deficiency. Last evaluated: 2025-09-05. Review status: criteria provided, single submitter. Criteria: Invitae Variant Classification Sherloc (09022015). Collection method: clinical testing. Allele origin: germline.
Comment: This sequence change replaces proline, which is neutral and non-polar, with leucine, which is neutral and non-polar, at codon 241 of the OAT protein (p.Pro241Leu). This variant is present in population databases (rs121965051, gnomAD 0.02%). This missense change has been observed in individual(s) with clinical features of gyrate atrophy and/or Gyrate atrophy (PMID: 1737786, 28341476; internal data). ClinVar contains an entry for this variant (Variation ID: 168). Invitae Evidence Modeling of protein sequence and biophysical properties (such as structural, functional, and spatial information, amino acid conservation, physicochemical variation, residue mobility, and thermodynamic stability) indicates that this missense variant is expected to disrupt OAT protein function with a positive predictive value of 80%. For these reasons, this variant has been classified as Pathogenic.

Blueprint Genetics
Classification: Pathogenic for OAT-related disorders. Last evaluated: 2024-06-04. Review status: criteria provided, single submitter. Criteria: ACMG Guidelines, 2015. Collection method: clinical testing. Allele origin: germline. Affected: yes. Observed: 5 variant alleles.

Victorian Clinical Genetics Services, Murdoch Childrens Research Institute
Classification: Pathogenic for Ornithine aminotransferase deficiency. Last evaluated: 2023-12-21. Review status: criteria provided, single submitter. Criteria: ACMG Guidelines, 2015. Collection method: clinical testing. Allele origin: germline. Inheritance: Autosomal recessive inheritance.
Comment: Based on the classification scheme VCGS_Germline_v1.3.4, this variant is classified as Pathogenic. Following criteria are met: 0102 - Loss of function is a known mechanism of disease in this gene and is associated with gyrate atrophy of choroid and retina with or without ornithinaemia (MIM#258870). (I) 0106 - This gene is associated with autosomal recessive disease. (I) 0200 - Variant is predicted to result in a missense amino acid change from proline to leucine. (I) 0252 - This variant is homozygous. (I) 0304 - Variant is present in gnomAD <0.01 for a recessive condition (v2: 9 heterozygotes, 0 homozygotes). (SP) 0501 - Missense variant consistently predicted to be damaging by multiple in silico tools or highly conserved with a major amino acid change. (SP) 0600 - Variant is located in the annotated aminotransferase class-III domain (DECIPHER). (I) 0705 - No comparable missense variants have previous evidence for pathogenicity. (I) 0801 - This variant has strong previous evidence of pathogenicity in unrelated individuals. It has been identified in a pair of compound heterozygote siblings with gyrate atrophy (PMID: 11831916) and a homozygote with chorioretinal dystrophy (PMID: 28341476). In addition, it has been classified as likely pathogenic/pathogenic by diagnostic laboratories in ClinVar. (I) Legend: (SP) - Supporting pathogenic, (I) - Information, (SB) - Supporting benign

Baylor Genetics
Classification: Likely pathogenic for Ornithine aminotransferase deficiency. Last evaluated: 2023-06-17. Review status: criteria provided, single submitter. Criteria: ACMG Guidelines, 2015. Collection method: clinical testing. Allele origin: unknown.

Women's Health and Genetics/Laboratory Corporation of America, LabCorp
Classification: Likely pathogenic for Hyperornithinemia. Last evaluated: 2023-05-16. Review status: criteria provided, single submitter. Criteria: LabCorp Variant Classification Summary - May 2015. Collection method: clinical testing. Allele origin: germline.
Comment: Variant summary: OAT c.722C>T (p.Pro241Leu) results in a non-conservative amino acid change in the encoded protein sequence. Five of five in-silico tools predict a damaging effect of the variant on protein function. The variant allele was found at a frequency of 3.6e-05 in 251486 control chromosomes (gnomAD). c.722C>T has been reported in the literature as a compound heterozygous genotype in an individual affected with gyrate atrophy and in the homozygous state in an individual affected with chorioretinal dystrophy, both clinical features of Ornithine Aminotransferase Deficiency (Brody_1992, Taylor_2017). These data indicate that the variant may be associated with disease. Furthermore, examination of RNA and protein levels in fibroblasts from the compound heterozygous patient showed normal RNA expression but an undetectable level of protein, suggesting the variant impacts protein stability and/or function (Brody_1992). The following publications have been ascertained in the context of this evaluation (PMID: 1737786, 28341476). Three clinical diagnostic laboratories have submitted clinical-significance assessments for this variant to ClinVar after 2014 and all classified the variant as pathogenic (n=2)/likely pathogenic (n=1). Based on the evidence outlined above, the variant was classified as likely pathogenic.

3billion
Classification: Pathogenic for Ornithine aminotransferase deficiency. Last evaluated: 2022-03-22. Review status: criteria provided, single submitter. Criteria: ACMG Guidelines, 2015. Collection method: clinical testing. Allele origin: germline. Affected: yes. Observed: 1 homozygote.
Comment: Same or different nucleotide change resulting in same amino acid change has been previously reported as pathogenic/likely pathogenic with strong evidence (ClinVar ID: VCV000000168, PMID:1737786). Functional studies provide strong evidence of the variant having a damaging effect on the gene or gene product (PS3_S). In silico tool predictions suggest damaging effect of the variant on gene or gene product (REVEL: 0.9>=0.6). A missense variant is a common mechanism . It is observed at an extremely low frequency in the gnomAD v2.1.1 dataset (total allele frequency: 0.0000358). Therefore, this variant is classified as pathogenic according to the recommendation of ACMG/AMP guideline.

OMIM
Classification: Pathogenic for GYRATE ATROPHY OF CHOROID AND RETINA. Last evaluated: 1992-06-01. Review status: no assertion criteria provided. Collection method: literature only. Allele origin: germline. Not counted in ClinVar's aggregate classification.

Literature cited by the submitters: PubMed 1737786 (cited by 4 submitters); PubMed 28341476 (cited by 5 submitters); PubMed 37667371 (cited by Myriad Genetics, Inc. and Natera, Inc.); PubMed 40175531 (cited by Myriad Genetics, Inc.); PubMed 1755734 (cited by Natera, Inc.); PubMed 11831916 (cited by Victorian Clinical Genetics Services, Murdoch Childrens Research Institute); PubMed 1612597 (cited by OMIM).